The following is an entry in ClinVar:

NM_000289.6(PFKM):c.936+228C>A

Gene: PFKM (phosphofructokinase, muscle; plus strand). Cytogenetic location: 12q13.11.
Variant type: single nucleotide variant.
Coding change: c.936+228C>A on transcript NM_000289.6 (MANE Select); 228 bases into the intron after coding-DNA position 936, C replaced by A.
Molecular consequence: intron variant.
Genome position (GRCh38, 1-based): chr12:48,135,611, C>A. VCF-style: chr12-48135611-C-A. GRCh37 (hg19) VCF-style: chr12-48529394-C-A.
Other names: c.936+228C>A (NM_001354746.2, NM_001166688.2, NM_001166687.2 and 3 more transcripts); c.843+573C>A (NM_001363619.2); c.786+228C>A (NM_001354748.2, NM_001354747.2); c.1245+228C>A (NM_001354735.1, NM_001354736.1); c.1149+228C>A (NM_001354739.1, NM_001354738.1, NM_001166686.2 and 1 more transcripts); c.1080+228C>A (NM_001354740.1); c.849+228C>A (NM_001354745.2); c.960+228C>A (NM_001354741.2).
Identifiers: ClinVar variation 667829 (VCV000667829.1), dbSNP rs55752728, ClinGen allele CA236511648.
Genomic context (GRCh38, chr12:48,135,611, plus strand): 5'-GTTCTCTTCTGTTACAAAAATGGTGAGAGACTACGCCTTCCTAATGGTGAGGAACAATAT[C>A]TTTTTGTTTTGTTTTGTTTCATATATTTTTAATACGAATTTTGAGATAATTGTAGATTCA-3'

ClinVar aggregate classification (germline): Benign (1 of 4 stars; one submission).

Allele frequency attached by ClinVar (database versions not stated): 1000 Genomes Project 0.02656; 1000 Genomes Project 30x 0.02748; TOPMed 0.05501.
gnomAD v4.1: 9,037 of 152,200 alleles (5.9%); highest among the groups gnomAD compares: Non-Finnish European, 9.3%; 353 homozygotes.

Submission:

GeneDx
Classification: Benign. Last evaluated: 2018-06-19. Review status: criteria provided, single submitter. Criteria: GeneDx Variant Classification (06012015). Collection method: clinical testing. Allele origin: germline. Affected: yes.
Comment: This variant is considered likely benign or benign based on one or more of the following criteria: it is a conservative change, it occurs at a poorly conserved position in the protein, it is predicted to be benign by multiple in silico algorithms, and/or has population frequency not consistent with disease.